The following is an entry in ClinVar:

NM_001292063.2(OTOG):c.1125C>G (p.Thr375=)

Gene: OTOG (otogelin; plus strand). Cytogenetic location: 11p15.1.
Variant type: single nucleotide variant.
Coding change: c.1125C>G on transcript NM_001292063.2 (MANE Select); coding-DNA position 1125, C replaced by G.
Protein change: p.Thr375=; no amino-acid change (threonine 375 retained).
Molecular consequence: synonymous variant.
Genome position (GRCh38, 1-based): chr11:17,559,073, C>G. VCF-style: chr11-17559073-C-G. GRCh37 (hg19) VCF-style: chr11-17580620-C-G.
Other names: c.1161C>G, p.Thr387= (NM_001277269.2).
Identifiers: ClinVar variation 930129 (VCV000930129.4), dbSNP rs897534989, ClinGen allele CA218495916.
Genomic context (GRCh38, chr11:17,559,073, plus strand): 5'-GGGTTTTGTTCCAGTGTGACCCTTGGTTTCTCTGCACAGATCAATGGGTGATGTAGCCAC[C>G]TGGTGCCGGGCACTGGCGGAGTATGCCCGGGCGTGTGCCCAGGCAGGGCGGCCCTTGCAA-3'
Protein context (NP_001278992.1, residues 365-385): DLCQSMGDVA[Thr375=]WCRALAEYAR

ClinVar aggregate classification (germline): Likely benign (1 of 4 stars; one submission).

Allele frequency attached by ClinVar (database versions not stated): gnomAD 0.00001 and 0.00003; gnomAD exomes 0.00001; TOPMed 0.00003.
gnomAD v4.1: 19 of 1,547,994 alleles (0.0012%); highest among the groups gnomAD compares: Middle Eastern, 0.017%; no homozygotes.

Submission:

Laboratory for Molecular Medicine, Mass General Brigham Personalized Medicine
Classification: Likely benign. Last evaluated: 2020-04-06. Review status: criteria provided, single submitter. Criteria: LMM Criteria. Collection method: clinical testing. Allele origin: germline. Observed: 1 variant allele.
Comment: The p.Thr387Thr variant in OTOG is classified as likely benign because it does not alter an amino acid residue, it is not located within the splice consensus sequence, and splice prediction algorithms do not predict a newly created splice site. ACMG/AMP Criteria applied: BP4, BP7.